The following is an entry in ClinVar:

ClinVar aggregate classification (germline): Uncertain significance (1 of 4 stars; one submission).

Conditions:
Combined immunodeficiency due to CTPS1 deficiency. Also called: Immunodeficiency 24; Severe combined immunodeficiency due to CTPS1 deficiency. Identifiers: Orphanet 420573, MedGen C4014617, MONDO:0014391, OMIM 615897.

gnomAD v4.1: 2 of 1,614,144 alleles (0.00012%); highest among the groups gnomAD compares: Non-Finnish European, 0.00017%; no homozygotes.

Submission:

Labcorp Genetics (formerly Invitae), Labcorp
Classification: Uncertain significance for Combined immunodeficiency due to CTPS1 deficiency. Last evaluated: 2025-07-27. Review status: criteria provided, single submitter. Criteria: Invitae Variant Classification Sherloc (09022015). Collection method: clinical testing. Allele origin: germline.
Comment: This sequence change replaces arginine, which is basic and polar, with proline, which is neutral and non-polar, at codon 376 of the CTPS1 protein (p.Arg376Pro). This variant is not present in population databases (gnomAD no frequency). This variant has not been reported in the literature in individuals affected with CTPS1-related conditions. An algorithm developed to predict the effect of missense changes on protein structure and function (PolyPhen-2) suggests that this variant is likely to be disruptive. In summary, the available evidence is currently insufficient to determine the role of this variant in disease. Therefore, it has been classified as a Variant of Uncertain Significance.

NM_001905.4(CTPS1):c.1127G>C (p.Arg376Pro)

Gene: CTPS1 (CTP synthase 1; plus strand). Cytogenetic location: 1p34.2.
Variant type: single nucleotide variant.
Coding change: c.1127G>C on transcript NM_001905.4 (MANE Select); coding-DNA position 1127, G replaced by C.
Protein change: p.Arg376Pro; replaces arginine 376 with proline.
Molecular consequence: missense variant. On other transcripts: non-coding transcript variant (1).
Genome position (GRCh38, 1-based): chr1:41,002,192, G>C. VCF-style: chr1-41002192-G-C. GRCh37 (hg19) VCF-style: chr1-41467864-G-C.
Other names: c.659G>C, p.Arg220Pro (NM_001301237.2); short protein forms R376P, R220P.
Identifiers: ClinVar variation 4781223 (VCV004781223.1).